The following is an entry in ClinVar:

ClinVar aggregate classification (germline): Uncertain significance (1 of 4 stars; one submission).

Submission:

Labcorp Genetics (formerly Invitae), Labcorp
Classification: Uncertain significance. Last evaluated: 2023-01-30. Review status: criteria provided, single submitter. Criteria: Invitae Variant Classification Sherloc (09022015). Collection method: clinical testing. Allele origin: germline.
Comment: This variant, c.89_91del, results in the deletion of 1 amino acid(s) of the CD46 protein (p.Ser30del), but otherwise preserves the integrity of the reading frame. This variant is present in population databases (no rsID available, gnomAD 0.003%). This variant has not been reported in the literature in individuals affected with CD46-related conditions. Experimental studies and prediction algorithms are not available or were not evaluated, and the functional significance of this variant is currently unknown. In summary, the available evidence is currently insufficient to determine the role of this variant in disease. Therefore, it has been classified as a Variant of Uncertain Significance.

NM_172351.3(CD46):c.89_91del (p.Ser30del)

Genes: CD46 (CD46 molecule; plus strand), LOC129932405 (ATAC-STARR-seq lymphoblastoid active region 2449; plus strand). Cytogenetic location: 1q32.2.
Variant type: Deletion.
Coding change: c.89_91del on transcript NM_172351.3 (MANE Select); coding-DNA positions 89 to 91, 3 bases deleted (CCT; older notation c.89_91delCCT).
Protein change: p.Ser30del; deletes serine 30.
Molecular consequence: inframe deletion.
Genome position (GRCh38, 1-based): chr1:207,752,301-207,752,303, CCT deleted; deleting any 3 consecutive bases within chr1:207,752,299-207,752,303 gives the same sequence; the c. name uses the placement nearest the transcript's 3' end. VCF-style (leftmost placement, unchanged base first): chr1-207752298-ACTC-A. GRCh37 (hg19) VCF-style: chr1-207925643-ACTC-A.
Other names: c.89_91del, p.Ser30del (NM_002389.4, NM_153826.4, NM_172350.3 and 8 more transcripts); short protein forms S30del.
Identifiers: ClinVar variation 2798920 (VCV002798920.3), dbSNP rs1558038658, ClinGen allele CA528612933.